The following is an entry in ClinVar:

NM_000334.4(SCN4A):c.2384A>C (p.Asn795Thr)

Genes: SCN4A (sodium voltage-gated channel alpha subunit 4; minus strand), GH-LCR (growth hormone locus control region; plus strand). Cytogenetic location: 17q23.3.
Variant type: single nucleotide variant.
Coding change: c.2384A>C on transcript NM_000334.4 (MANE Select); coding-DNA position 2384, A replaced by C.
Protein change: p.Asn795Thr; replaces asparagine 795 with threonine.
Molecular consequence: missense variant.
Genome position (GRCh38, 1-based): chr17:63,951,893, T>G on the plus strand (A>C on the coding strand, the complement: SCN4A is on the minus strand). VCF-style: chr17-63951893-T-G. GRCh37 (hg19) VCF-style: chr17-62029253-T-G.
Other names: short protein forms N795T.
Identifiers: ClinVar variation 3720349 (VCV003720349.2).
Genomic context (GRCh38, chr17:63,951,893, plus strand): 5'-TCATCCGAGGCTGCCAGACTGTCGGCGCTGAAGGAGCTCAGCAGCAGAGCCAGGAACAGG[T>G]TCAGGACCTGGGGCATGGGGTCAGGGGGAGCCTCACATCAGTCCCCGGGACCCAGAGGGT-3'
Protein context (NP_000325.4, residues 785-805): VMVIGNLVVL[Asn795Thr]LFLALLLSSF

ClinVar aggregate classification (germline): Uncertain significance (1 of 4 stars; one submission).

Conditions:
Hyperkalemic periodic paralysis. Also called: Familial hyperkalemic periodic paralysis; Gamstorp disease. Identifiers: Orphanet 682, MedGen C0238357, MONDO:0008224, OMIM 170500, HP:0007215.

Submission:

Labcorp Genetics (formerly Invitae), Labcorp
Classification: Uncertain significance for Hyperkalemic periodic paralysis. Last evaluated: 2024-12-12. Review status: criteria provided, single submitter. Criteria: Invitae Variant Classification Sherloc (09022015). Collection method: clinical testing. Allele origin: germline.
Comment: This sequence change replaces asparagine, which is neutral and polar, with threonine, which is neutral and polar, at codon 795 of the SCN4A protein (p.Asn795Thr). This variant is not present in population databases (gnomAD no frequency). This variant has not been reported in the literature in individuals affected with SCN4A-related conditions. Invitae Evidence Modeling of protein sequence and biophysical properties (such as structural, functional, and spatial information, amino acid conservation, physicochemical variation, residue mobility, and thermodynamic stability) indicates that this missense variant is expected to disrupt SCN4A protein function with a positive predictive value of 95%. In summary, the available evidence is currently insufficient to determine the role of this variant in disease. Therefore, it has been classified as a Variant of Uncertain Significance.